The following is an entry in ClinVar:

ClinVar aggregate classification (germline): Uncertain significance (1 of 4 stars; one submission).

Conditions:
Arrhythmogenic right ventricular dysplasia 8 (ARVD8). Also called: Arrhythmogenic Right Ventricular Dysplasia/Cardiomyopathy 8; ARRHYTHMOGENIC RIGHT VENTRICULAR DYSPLASIA, FAMILIAL, 8; ARRHYTHMOGENIC RIGHT VENTRICULAR CARDIOMYOPATHY 8. Identifiers: MedGen C1843896, MONDO:0011831, OMIM 607450.
Arrhythmogenic cardiomyopathy with wooly hair and keratoderma. Also called: PALMOPLANTAR KERATODERMA WITH LEFT VENTRICULAR CARDIOMYOPATHY AND WOOLLY HAIR; Arrhythmogenic cardiomyopathy with woolly hair and keratoderma; Carvajal syndrome; Dilated cardiomyopathy with woolly hair and keratoderma. Identifiers: Orphanet 65282, MedGen C1854063, MONDO:0011581, OMIM 605676.

Submission:

Labcorp Genetics (formerly Invitae), Labcorp
Classification: Uncertain significance for Arrhythmogenic cardiomyopathy with wooly hair and keratoderma; Arrhythmogenic right ventricular dysplasia 8. Last evaluated: 2022-07-05. Review status: criteria provided, single submitter. Criteria: Invitae Variant Classification Sherloc (09022015). Collection method: clinical testing. Allele origin: germline.
Comment: In summary, the available evidence is currently insufficient to determine the role of this variant in disease. Therefore, it has been classified as a Variant of Uncertain Significance. Algorithms developed to predict the effect of missense changes on protein structure and function (SIFT, PolyPhen-2, Align-GVGD) all suggest that this variant is likely to be disruptive. ClinVar contains an entry for this variant (Variation ID: 1488746). This variant has not been reported in the literature in individuals affected with DSP-related conditions. This variant is not present in population databases (gnomAD no frequency). This sequence change replaces lysine, which is basic and polar, with glutamic acid, which is acidic and polar, at codon 940 of the DSP protein (p.Lys940Glu).

NM_004415.4(DSP):c.2818A>G (p.Lys940Glu)

Gene: DSP (desmoplakin; plus strand). Cytogenetic location: 6p24.3.
Variant type: single nucleotide variant.
Coding change: c.2818A>G on transcript NM_004415.4 (MANE Select); coding-DNA position 2818, A replaced by G.
Protein change: p.Lys940Glu; replaces lysine 940 with glutamic acid.
Molecular consequence: missense variant.
Genome position (GRCh38, 1-based): chr6:7,576,983, A>G. VCF-style: chr6-7576983-A-G. GRCh37 (hg19) VCF-style: chr6-7577216-A-G.
Other names: c.2818A>G, p.Lys940Glu (NM_001008844.3, NM_001319034.2); short protein forms K940E.
Identifiers: ClinVar variation 1488746 (VCV001488746.6), dbSNP rs2113687560, ClinGen allele CA362682211.